The following is an entry in ClinVar:

NM_177438.3(DICER1):c.4168G>A (p.Asp1390Asn)

Gene: DICER1 (dicer 1, ribonuclease III; minus strand). Cytogenetic location: 14q32.13.
Variant type: single nucleotide variant.
Coding change: c.4168G>A on transcript NM_177438.3 (MANE Select); coding-DNA position 4168, G replaced by A.
Protein change: p.Asp1390Asn; replaces aspartic acid 1390 with asparagine.
Molecular consequence: missense variant. On other transcripts: non-coding transcript variant (6).
Genome position (GRCh38, 1-based): chr14:95,099,818, C>T on the plus strand (G>A on the coding strand, the complement: DICER1 is on the minus strand). VCF-style: chr14-95099818-C-T. GRCh37 (hg19) VCF-style: chr14-95566155-C-T.
Other names: c.3601G>A, p.Asp1201Asn (NM_001395691.1); c.4168G>A, p.Asp1390Asn (NM_001395692.1, NM_001395693.1, NM_001395694.1 and 12 more transcripts); c.3763G>A, p.Asp1255Asn (NM_001395696.1, NM_001395687.1, NM_001395688.1 and 2 more transcripts); c.2485G>A, p.Asp829Asn (NM_001395697.1); c.3886G>A, p.Asp1296Asn (NM_001395686.1); short protein forms D1201N, D1255N, D1296N, D1390N, D829N.
Identifiers: ClinVar variation 4826969 (VCV004826969.1).

ClinVar aggregate classification (germline): Uncertain significance (1 of 4 stars; one submission).

Conditions:
Hereditary cancer-predisposing syndrome. Also called: Neoplastic Syndromes, Hereditary; Tumor predisposition; Hereditary Cancer Syndrome; Hereditary neoplastic syndrome. Identifiers: Orphanet 140162, MedGen C0027672, MeSH D009386, MONDO:0015356.

Submission:

Ambry Genetics
Classification: Uncertain significance for Hereditary cancer-predisposing syndrome. Last evaluated: 2026-03-09. Review status: criteria provided, single submitter. Criteria: Ambry Variant Classification Scheme 2023. Collection method: clinical testing. Allele origin: germline.
Comment: The p.D1390N variant (also known as c.4168G>A), located in coding exon 21 of the DICER1 gene, results from a G to A substitution at nucleotide position 4168. The aspartic acid at codon 1390 is replaced by asparagine, an amino acid with highly similar properties. This amino acid position is conserved. In addition, this alteration is predicted to be tolerated by in silico analysis. Based on the available evidence, the clinical significance of this variant remains unclear.